The following is an entry in ClinVar:

NM_014989.7(RIMS1):c.4191G>A (p.Lys1397=)

Gene: RIMS1 (regulating synaptic membrane exocytosis 1; plus strand). Cytogenetic location: 6q13.
Variant type: single nucleotide variant.
Coding change: c.4191G>A on transcript NM_014989.7 (MANE Select); coding-DNA position 4191, G replaced by A.
Protein change: p.Lys1397=; no amino-acid change (lysine 1397 retained).
Molecular consequence: synonymous variant. On other transcripts: intron variant (24).
Genome position (GRCh38, 1-based): chr6:72,333,660, G>A. VCF-style: chr6-72333660-G-A. GRCh37 (hg19) VCF-style: chr6-73043363-G-A.
Other names: c.2151G>A, p.Lys717= (NM_001168407.2); c.2112G>A, p.Lys704= (NM_001350414.2); c.2208G>A, p.Lys736= (NM_001350415.2); c.2157G>A, p.Lys719= (NM_001350416.2); c.2130G>A, p.Lys710= (NM_001350418.2); c.2265G>A, p.Lys755= (NM_001350420.2); c.2010G>A, p.Lys670= (NM_001350421.2); c.1899G>A, p.Lys633= (NM_001350423.2); and 53 more.
Identifiers: ClinVar variation 357858 (VCV000357858.23), dbSNP rs372513852, ClinGen allele CA3886462.

ClinVar aggregate classification (germline): Likely benign. Review status: criteria provided, multiple submitters, no conflicts (2 of 4 stars). 4 submissions from 4 submitters: Likely benign (4). Last evaluated 2025-10-07.

Conditions:
Cone-rod dystrophy 7 (CORD7). Identifiers: Orphanet 1872, MedGen C1863634, MONDO:0011355, OMIM 603649.

Allele frequency attached by ClinVar (database versions not stated): TOPMed 0.00023; gnomAD 0.00025; ExAC 0.00027; ESP Exome Variant Server 0.00032.
gnomAD v4.1: 499 of 1,597,608 alleles (0.031%); highest among the groups gnomAD compares: Non-Finnish European, 0.039%; no homozygotes.

Submissions (4):

Labcorp Genetics (formerly Invitae), Labcorp
Classification: Likely benign. Last evaluated: 2025-10-07. Review status: criteria provided, single submitter. Criteria: Invitae Variant Classification Sherloc (09022015). Collection method: clinical testing. Allele origin: germline.

CeGaT Center for Human Genetics Tuebingen
Classification: Likely benign. Last evaluated: 2025-09-01. Review status: criteria provided, single submitter. Criteria: CeGaT Center For Human Genetics Tuebingen Variant Classification Criteria Version 2. Collection method: clinical testing. Allele origin: germline. Affected: yes. Observed: 1 variant allele.
Comment: RIMS1: BP4, BS2

Blueprint Genetics
Classification: Likely benign. Last evaluated: 2024-04-08. Review status: criteria provided, single submitter. Criteria: ACMG Guidelines, 2015. Collection method: clinical testing. Allele origin: germline.

Illumina Laboratory Services, Illumina
Classification: Likely benign for Cone-rod dystrophy 7. Last evaluated: 2018-01-12. Review status: criteria provided, single submitter. Criteria: ICSL Variant Classification Criteria 13 December 2019. Collection method: clinical testing. Allele origin: germline.
Comment: This variant was observed in the ICSL laboratory as part of a predisposition screen in an ostensibly healthy population. It had not been previously curated by ICSL or reported in the Human Gene Mutation Database (HGMD: prior to June 1st, 2018), and was therefore a candidate for classification through an automated scoring system. Utilizing variant allele frequency, disease prevalence and penetrance estimates, and inheritance mode, an automated score was calculated to assess if this variant is too frequent to cause the disease. Based on the score and internal cut-off values, a variant classified as likely benign is not then subjected to further curation. The score for this variant resulted in a classification of likely benign for this disease.